The following is an entry in ClinVar:

ClinVar aggregate classification (germline): Uncertain significance (1 of 4 stars; one submission).

Conditions:
Nemaline myopathy 2 (NEM2). Also called: Nemaline myopathy 2, autosomal recessive. Identifiers: MedGen C1850569, MONDO:0009725, OMIM 256030.

Submission:

Labcorp Genetics (formerly Invitae), Labcorp
Classification: Uncertain significance for Nemaline myopathy 2. Last evaluated: 2026-01-11. Review status: criteria provided, single submitter. Criteria: Invitae Variant Classification Sherloc (09022015). Collection method: clinical testing. Allele origin: germline.
Comment: This sequence change replaces leucine, which is neutral and non-polar, with proline, which is neutral and non-polar, at codon 7198 of the NEB protein (p.Leu7198Pro). This variant is not present in population databases (gnomAD no frequency). This variant has not been reported in the literature in individuals affected with NEB-related conditions. Experimental studies and prediction algorithms are not available or were not evaluated, and the functional significance of this variant is currently unknown. In summary, the available evidence is currently insufficient to determine the role of this variant in disease. Therefore, it has been classified as a Variant of Uncertain Significance.

NM_001164508.2(NEB):c.21488T>C (p.Leu7163Pro)

Genes: NEB (nebulin; minus strand), RIF1 (replication timing regulatory factor 1; plus strand). Cytogenetic location: 2q23.3.
Variant type: single nucleotide variant.
Coding change: c.21488T>C on transcript NM_001164508.2 (MANE Select); coding-DNA position 21488, T replaced by C.
Protein change: p.Leu7163Pro; replaces leucine 7163 with proline.
Molecular consequence: missense variant.
Genome position (GRCh38, 1-based): chr2:151,531,826, A>G on the plus strand (T>C on the coding strand, the complement: NEB is on the minus strand). VCF-style: chr2-151531826-A-G. GRCh37 (hg19) VCF-style: chr2-152388340-A-G.
Other names: c.21488T>C, p.Leu7163Pro (NM_001164507.2); c.21593T>C, p.Leu7198Pro (NM_001271208.2); c.16385T>C, p.Leu5462Pro (NM_004543.5); short protein forms L5462P, L7163P, L7198P.
Identifiers: ClinVar variation 4804405 (VCV004804405.1).